The following is an entry in ClinVar:

ClinVar aggregate classification (germline): Uncertain significance. Review status: criteria provided, multiple submitters, no conflicts (2 of 4 stars). 2 submissions from 2 submitters: Uncertain significance (2). Last evaluated 2023-03-03.

Submissions (2):

Labcorp Genetics (formerly Invitae), Labcorp
Classification: Uncertain significance. Last evaluated: 2023-03-03. Review status: criteria provided, single submitter. Criteria: Invitae Variant Classification Sherloc (09022015). Collection method: clinical testing. Allele origin: germline.
Comment: This sequence change replaces arginine, which is basic and polar, with proline, which is neutral and non-polar, at codon 1532 of the CACNA1F protein (p.Arg1532Pro). This variant is not present in population databases (gnomAD no frequency). This variant has not been reported in the literature in individuals affected with CACNA1F-related conditions. Advanced modeling of protein sequence and biophysical properties (such as structural, functional, and spatial information, amino acid conservation, physicochemical variation, residue mobility, and thermodynamic stability) performed at Invitae indicates that this missense variant is expected to disrupt CACNA1F protein function. This variant disrupts the p.Arg1532 amino acid residue in CACNA1F. Other variant(s) that disrupt this residue have been observed in individuals with CACNA1F-related conditions (PMID: 28002560; Invitae), which suggests that this may be a clinically significant amino acid residue. In summary, the available evidence is currently insufficient to determine the role of this variant in disease. Therefore, it has been classified as a Variant of Uncertain Significance.

Blueprint Genetics
Classification: Uncertain significance. Last evaluated: 2022-04-21. Review status: criteria provided, single submitter. Criteria: ACMG Guidelines, 2015. Collection method: clinical testing. Allele origin: germline.

Literature cited by the submitters: PubMed 28002560 (cited by Labcorp Genetics (formerly Invitae), Labcorp).

NM_001256789.3(CACNA1F):c.4562G>C (p.Arg1521Pro)

Genes: CACNA1F (calcium voltage-gated channel subunit alpha1 F; minus strand), LOC126863257 (BRD4-independent group 4 enhancer GRCh37_chrX:49065732-49066931; plus strand). Cytogenetic location: Xp11.23.
Variant type: single nucleotide variant.
Coding change: c.4562G>C on transcript NM_001256789.3 (MANE Select); coding-DNA position 4562, G replaced by C.
Protein change: p.Arg1521Pro; replaces arginine 1521 with proline.
Molecular consequence: missense variant.
Genome position (GRCh38, 1-based): chrX:49,210,327, C>G on the plus strand (G>C on the coding strand, the complement: CACNA1F is on the minus strand). VCF-style: chrX-49210327-C-G. GRCh37 (hg19) VCF-style: chrX-49066787-C-G.
Other names: c.4400G>C, p.Arg1467Pro (NM_001256790.3); c.4595G>C, p.Arg1532Pro (NM_005183.4); short protein forms R1532P, R1521P, R1467P.
Identifiers: ClinVar variation 2835621 (VCV002835621.4), dbSNP rs2520765089, ClinGen allele CA412960738.